The following is an entry in ClinVar:

ClinVar aggregate classification (germline): Benign/Likely benign. Review status: criteria provided, multiple submitters, no conflicts (2 of 4 stars). 3 submissions from 3 submitters: Benign (2); Likely benign (1). Last evaluated 2026-01-27.

Conditions:
Candidiasis, familial, 6 (CANDF6). Also called: Candidiasis, familial, 6, autosomal dominant. Identifiers: Orphanet 1334, MedGen C3151405, MONDO:0013503, OMIM 613956.

Allele frequency attached by ClinVar (database versions not stated): gnomAD exomes 0.00029 and 0.00073; ExAC 0.00096; gnomAD 0.00319 and 0.00329; 1000 Genomes Project 30x 0.00328; TOPMed 0.00334; 1000 Genomes Project 0.00339; ESP Exome Variant Server 0.00415.
gnomAD v4.1: 926 of 1,614,196 alleles (0.057%); highest among the groups gnomAD compares: African/African-American, 1.1%; 5 homozygotes.

Submissions (3):

Labcorp Genetics (formerly Invitae), Labcorp
Classification: Benign for Candidiasis, familial, 6. Last evaluated: 2026-01-27. Review status: criteria provided, single submitter. Criteria: Invitae Variant Classification Sherloc (09022015). Collection method: clinical testing. Allele origin: germline.

Blueprint Genetics
Classification: Likely benign. Last evaluated: 2024-11-15. Review status: criteria provided, single submitter. Criteria: ACMG Guidelines, 2015. Collection method: clinical testing. Allele origin: germline.

Illumina Laboratory Services, Illumina
Classification: Benign for Candidiasis, familial, 6. Last evaluated: 2018-01-13. Review status: criteria provided, single submitter. Criteria: ICSL Variant Classification Criteria 13 December 2019. Collection method: clinical testing. Allele origin: germline.
Comment: This variant was observed in the ICSL laboratory as part of a predisposition screen in an ostensibly healthy population. It had not been previously curated by ICSL or reported in the Human Gene Mutation Database (HGMD: prior to June 1st, 2018), and was therefore a candidate for classification through an automated scoring system. Utilizing variant allele frequency, disease prevalence and penetrance estimates, and inheritance mode, an automated score was calculated to assess if this variant is too frequent to cause the disease. Based on the score and internal cut-off values, a variant classified as benign is not then subjected to further curation. The score for this variant resulted in a classification of benign for this disease.

NM_052872.4(IL17F):c.318C>T (p.Gly106=)

Gene: IL17F (interleukin 17F; minus strand). Cytogenetic location: 6p12.2.
Variant type: single nucleotide variant.
Coding change: c.318C>T on transcript NM_052872.4 (MANE Select); coding-DNA position 318, C replaced by T.
Protein change: p.Gly106=; no amino-acid change (glycine 106 retained).
Molecular consequence: synonymous variant.
Genome position (GRCh38, 1-based): chr6:52,237,105, G>A on the plus strand (C>T on the coding strand, the complement: IL17F is on the minus strand). VCF-style: chr6-52237105-G-A. GRCh37 (hg19) VCF-style: chr6-52101903-G-A.
Identifiers: ClinVar variation 357470 (VCV000357470.15), dbSNP rs148940532, ClinGen allele CA3854379.